The following is an entry in ClinVar:

NM_004304.5(ALK):c.2543C>T (p.Ala848Val)

Gene: ALK (ALK receptor tyrosine kinase; minus strand). Cytogenetic location: 2p23.2.
Variant type: single nucleotide variant.
Coding change: c.2543C>T on transcript NM_004304.5 (MANE Select); coding-DNA position 2543, C replaced by T.
Protein change: p.Ala848Val; replaces alanine 848 with valine.
Molecular consequence: missense variant.
Genome position (GRCh38, 1-based): chr2:29,232,393, G>A on the plus strand (C>T on the coding strand, the complement: ALK is on the minus strand). VCF-style: chr2-29232393-G-A. GRCh37 (hg19) VCF-style: chr2-29455259-G-A.
Other names: short protein forms A848V.
Identifiers: ClinVar variation 1005484 (VCV001005484.12), dbSNP rs1664239038, ClinGen allele CA346471883.
Genomic context (GRCh38, chr2:29,232,393, plus strand): 5'-AGAACCGAGGAGTTATTCTCCAGTCTCTCTGGGTGGAACGTGTCTGTCTTGGCCCCGTAG[G>A]CCCTGCCACCACCTCCGGCTGCAATGATCAGGGGCACCGGCACTCCATCCTTCATCTGAC-3'
Protein context (NP_004295.2, residues 838-858): LIIAAGGGGR[Ala848Val]YGAKTDTFHP

ClinVar aggregate classification (germline): Uncertain significance. Review status: criteria provided, multiple submitters, no conflicts (2 of 4 stars). 2 submissions from 2 submitters: Uncertain significance (2). Last evaluated 2025-09-10.

Conditions:
Neuroblastoma, susceptibility to, 3. Also called: ALK-Related Neuroblastic Tumor Susceptibility. Identifiers: Orphanet 635, MedGen C2751681, MONDO:0013083, OMIM 613014.
Hereditary cancer-predisposing syndrome. Also called: Hereditary neoplastic syndrome; Neoplastic Syndromes, Hereditary; Tumor predisposition; Hereditary Cancer Syndrome. Identifiers: Orphanet 140162, MedGen C0027672, MeSH D009386, MONDO:0015356.

Submissions (2):

Labcorp Genetics (formerly Invitae), Labcorp
Classification: Uncertain significance for Neuroblastoma, susceptibility to, 3. Last evaluated: 2025-09-10. Review status: criteria provided, single submitter. Criteria: Invitae Variant Classification Sherloc (09022015). Collection method: clinical testing. Allele origin: germline.
Comment: This sequence change replaces alanine, which is neutral and non-polar, with valine, which is neutral and non-polar, at codon 848 of the ALK protein (p.Ala848Val). This variant is not present in population databases (gnomAD no frequency). This variant has not been reported in the literature in individuals affected with ALK-related conditions. ClinVar contains an entry for this variant (Variation ID: 1005484). An algorithm developed to predict the effect of missense changes on protein structure and function (PolyPhen-2) suggests that this variant is likely to be disruptive. In summary, the available evidence is currently insufficient to determine the role of this variant in disease. Therefore, it has been classified as a Variant of Uncertain Significance.

Ambry Genetics
Classification: Uncertain significance for Hereditary cancer-predisposing syndrome. Last evaluated: 2025-01-02. Review status: criteria provided, single submitter. Criteria: Ambry Variant Classification Scheme 2023. Collection method: clinical testing. Allele origin: germline.
Comment: The p.A848V variant (also known as c.2543C>T), located in coding exon 15 of the ALK gene, results from a C to T substitution at nucleotide position 2543. The alanine at codon 848 is replaced by valine, an amino acid with similar properties. This amino acid position is well conserved in available vertebrate species. In addition, this alteration is predicted to be tolerated by in silico analysis. Based on the available evidence, the clinical significance of this variant remains unclear.